The following is an entry in ClinVar:

ClinVar aggregate classification (germline): Benign. Review status: criteria provided, multiple submitters, no conflicts (2 of 4 stars). 6 submissions from 6 submitters: Benign (3). 3 of the submissions do not count toward it. Last evaluated 2022-03-24.

Conditions:
EIF4G1-related disorder. Also called: EIF4G1-related condition.

Allele frequency attached by ClinVar (database versions not stated): gnomAD exomes 0.02112 and 0.02395; gnomAD 0.04017 and 0.04275; ESP Exome Variant Server 0.04190; TOPMed 0.04230; ExAC 0.02257; 1000 Genomes Project 0.03435; 1000 Genomes Project 30x 0.03716.
gnomAD v4.1: 40,949 of 1,614,168 alleles (2.5%); highest among the groups gnomAD compares: African/African-American, 9%; 765 homozygotes.

Submissions (6):

Mayo Clinic Laboratories, Mayo Clinic
Classification: Benign. Last evaluated: 2022-03-24. Review status: criteria provided, single submitter. Criteria: ACMG Guidelines, 2015. Collection method: clinical testing. Allele origin: germline. Observed: 41 variant alleles.

GeneDx
Classification: Benign. Last evaluated: 2021-06-09. Review status: criteria provided, single submitter. Criteria: GeneDx Variant Classification Process June 2021. Collection method: clinical testing. Allele origin: germline. Affected: yes.

Breakthrough Genomics
Classification: Benign. Review status: criteria provided, single submitter. Criteria: ACMG Guidelines, 2015. Collection method: not provided. Allele origin: germline. Inheritance: Autosomal dominant inheritance. Affected: yes.

PreventionGenetics, part of Exact Sciences
Classification: Benign for EIF4G1-related condition. Last evaluated: 2019-11-27. Review status: no assertion criteria provided. Collection method: clinical testing. Allele origin: germline. Not counted in ClinVar's aggregate classification.
Comment: This variant is classified as benign based on ACMG/AMP sequence variant interpretation guidelines (Richards et al. 2015 PMID: 25741868, with internal and published modifications).

Clinical Genetics DNA and cytogenetics Diagnostics Lab, Erasmus MC, Erasmus Medical Center
Classification: Benign. Review status: no assertion criteria provided. Collection method: clinical testing. Allele origin: germline. Affected: yes. Study: VKGL Data-share Consensus. Not counted in ClinVar's aggregate classification.

Genome Diagnostics Laboratory, Amsterdam University Medical Center
Classification: Benign. Review status: no assertion criteria provided. Collection method: clinical testing. Allele origin: germline. Affected: yes. Study: VKGL Data-share Consensus. Not counted in ClinVar's aggregate classification.

NM_198241.3(EIF4G1):c.3698T>C (p.Leu1233Pro)

Gene: EIF4G1 (eukaryotic translation initiation factor 4 gamma 1; plus strand). Cytogenetic location: 3q27.1.
Variant type: single nucleotide variant.
Coding change: c.3698T>C on transcript NM_198241.3 (MANE Select); coding-DNA position 3698, T replaced by C.
Protein change: p.Leu1233Pro; replaces leucine 1233 with proline.
Molecular consequence: missense variant.
Genome position (GRCh38, 1-based): chr3:184,327,622, T>C. VCF-style: chr3-184327622-T-C. GRCh37 (hg19) VCF-style: chr3-184045410-T-C.
Other names: p.Leu1233Pro; c.3719T>C, p.Leu1240Pro (NM_001194946.2, NM_001194947.2); c.3578T>C, p.Leu1193Pro (NM_001291157.2); c.3113T>C, p.Leu1038Pro (NM_004953.5); c.3701T>C, p.Leu1234Pro (NM_182917.4); c.3206T>C, p.Leu1069Pro (NM_198242.3); c.3437T>C, p.Leu1146Pro (NM_198244.3); short protein forms L1038P, L1069P, L1146P, L1193P, L1233P, L1234P, L1240P.
Identifiers: ClinVar variation 1209885 (VCV001209885.7), dbSNP rs2230570, ClinGen allele CA2732900.